The following is an entry in ClinVar:

ClinVar aggregate classification (germline): Uncertain significance (1 of 4 stars; one submission).

Conditions:
Inborn genetic diseases. Identifiers: MedGen C0950123, MeSH D030342.

Submission:

Ambry Genetics
Classification: Uncertain significance for Inborn genetic diseases. Last evaluated: 2026-01-20. Review status: criteria provided, single submitter. Criteria: Ambry Variant Classification Scheme 2023. Collection method: clinical testing. Allele origin: germline.
Comment: The p.D1311Y variant (also known as c.3931G>T), located in coding exon 1 of the SAMD9L gene, results from a G to T substitution at nucleotide position 3931. The aspartic acid at codon 1311 is replaced by tyrosine, an amino acid with highly dissimilar properties. This amino acid position is conserved. In addition, this alteration is predicted to be tolerated by in silico analysis. Based on the available evidence, the clinical significance of this variant remains unclear.

NM_152703.5(SAMD9L):c.3931G>T (p.Asp1311Tyr)

Gene: SAMD9L (sterile alpha motif domain containing 9 like; minus strand). Cytogenetic location: 7q21.2.
Variant type: single nucleotide variant.
Coding change: c.3931G>T on transcript NM_152703.5 (MANE Select); coding-DNA position 3931, G replaced by T.
Protein change: p.Asp1311Tyr; replaces aspartic acid 1311 with tyrosine.
Molecular consequence: missense variant.
Genome position (GRCh38, 1-based): chr7:93,132,041, C>A on the plus strand (G>T on the coding strand, the complement: SAMD9L is on the minus strand). VCF-style: chr7-93132041-C-A. GRCh37 (hg19) VCF-style: chr7-92761354-C-A.
Other names: c.3931G>T, p.Asp1311Tyr (NM_001303496.3, NM_001303497.3, NM_001303498.3 and 5 more transcripts); short protein forms D1311Y.
Identifiers: ClinVar variation 4844803 (VCV004844803.1).